The following is an entry in ClinVar:

ClinVar aggregate classification (germline): Uncertain significance (1 of 4 stars; one submission).

Conditions:
Primary ciliary dyskinesia. Also called: Ciliary dyskinesia. Identifiers: Orphanet 244, MedGen C0008780, MONDO:0016575, HP:0012265.

Allele frequency attached by ClinVar (database versions not stated): gnomAD exomes below 0.00001; gnomAD 0.00001; TOPMed 0.00004.
gnomAD v4.1: 10 of 1,612,660 alleles (0.00062%); highest among the groups gnomAD compares: African/African-American, 0.004%; no homozygotes.

Submission:

Labcorp Genetics (formerly Invitae), Labcorp
Classification: Uncertain significance for Primary ciliary dyskinesia. Last evaluated: 2022-06-22. Review status: criteria provided, single submitter. Criteria: Invitae Variant Classification Sherloc (09022015). Collection method: clinical testing. Allele origin: germline.
Comment: This sequence change replaces threonine, which is neutral and polar, with isoleucine, which is neutral and non-polar, at codon 3654 of the DNAH8 protein (p.Thr3654Ile). This variant is present in population databases (no rsID available, gnomAD 0.02%). This variant has not been reported in the literature in individuals affected with DNAH8-related conditions. Algorithms developed to predict the effect of missense changes on protein structure and function are either unavailable or do not agree on the potential impact of this missense change (SIFT: "Deleterious"; PolyPhen-2: "Not Available"; Align-GVGD: "Class C25"). In summary, the available evidence is currently insufficient to determine the role of this variant in disease. Therefore, it has been classified as a Variant of Uncertain Significance.

NM_001206927.2(DNAH8):c.10961C>T (p.Thr3654Ile)

Genes: DNAH8 (dynein axonemal heavy chain 8; plus strand), DNAH8-AS1 (DNAH8 antisense RNA 1; minus strand). Cytogenetic location: 6p21.2.
Variant type: single nucleotide variant.
Coding change: c.10961C>T on transcript NM_001206927.2 (MANE Select); coding-DNA position 10961, C replaced by T.
Protein change: p.Thr3654Ile; replaces threonine 3654 with isoleucine.
Molecular consequence: missense variant.
Genome position (GRCh38, 1-based): chr6:38,924,161, C>T. VCF-style: chr6-38924161-C-T. GRCh37 (hg19) VCF-style: chr6-38891937-C-T.
Other names: c.10310C>T, p.Thr3437Ile (NM_001371.4); short protein forms T3437I, T3654I.
Identifiers: ClinVar variation 2157276 (VCV002157276.1), dbSNP rs899334468, ClinGen allele CA137583976.